The following is an entry in ClinVar:

ClinVar aggregate classification (germline): Pathogenic (1 of 4 stars; one submission).

Conditions:
Rubinstein-Taybi syndrome (RSTS). Identifiers: Orphanet 783, MedGen C0035934, MONDO:0019188.

Submission:

Labcorp Genetics (formerly Invitae), Labcorp
Classification: Pathogenic for Rubinstein-Taybi syndrome. Last evaluated: 2022-08-23. Review status: criteria provided, single submitter. Criteria: Invitae Variant Classification Sherloc (09022015). Collection method: clinical testing. Allele origin: germline.
Comment: This variant is a gross deletion of the genomic region encompassing exon(s) 4-31 of the CREBBP gene, which includes the termination codon. This deletion extends beyond the assayed region for this gene and therefore may encompass additional genes. While this deletion is not anticipated to lead to nonsense mediated decay, it is expected to alter mRNA translation or result in a truncated protein product. This variant has not been reported in the literature in individuals affected with CREBBP-related conditions. This variant disrupts a region of the CREBBP protein in which other variant(s) (p.Arg2004*) have been determined to be pathogenic (PMID: 15706485, 17052327, 21932317). This suggests that this is a clinically significant region of the protein, and that variants that disrupt it are likely to be disease-causing. For these reasons, this variant has been classified as Pathogenic.

Literature cited by the submitters: PubMed 15706485; PubMed 17052327; PubMed 21932317.

NC_000016.10:g.(?_3727698)_(3793646_?)del

Gene: CREBBP (CREB binding lysine acetyltransferase; minus strand). Cytogenetic location: 16p13.3.
Variant type: Deletion.
Identifiers: ClinVar variation 830484 (VCV000830484.7).